The following is an entry in ClinVar:

NM_003737.4(DCHS1):c.22G>C (p.Val8Leu)

Gene: DCHS1 (dachsous cadherin-related 1; minus strand). Cytogenetic location: 11p15.4.
Variant type: single nucleotide variant.
Coding change: c.22G>C on transcript NM_003737.4 (MANE Select); coding-DNA position 22, G replaced by C.
Protein change: p.Val8Leu; replaces valine 8 with leucine.
Molecular consequence: missense variant.
Genome position (GRCh38, 1-based): chr11:6,641,592, C>G on the plus strand (G>C on the coding strand, the complement: DCHS1 is on the minus strand). VCF-style: chr11-6641592-C-G. GRCh37 (hg19) VCF-style: chr11-6662823-C-G.
Other names: short protein forms V8L.
Identifiers: ClinVar variation 2682485 (VCV002682485.3), dbSNP rs1247696991, ClinGen allele CA379444871.

ClinVar aggregate classification (germline): Uncertain significance. Review status: criteria provided, multiple submitters, no conflicts (2 of 4 stars). 2 submissions from 2 submitters: Uncertain significance (2). Last evaluated 2025-05-07.

Allele frequency attached by ClinVar (database versions not stated): gnomAD 0.00001; TOPMed 0.00001.
gnomAD v4.1: 11 of 1,549,202 alleles (0.00071%); highest among the groups gnomAD compares: Non-Finnish European, 0.00096%; no homozygotes.

Submissions (2):

Labcorp Genetics (formerly Invitae), Labcorp
Classification: Uncertain significance. Last evaluated: 2025-05-07. Review status: criteria provided, single submitter. Criteria: Invitae Variant Classification Sherloc (09022015). Collection method: clinical testing. Allele origin: germline.
Comment: This sequence change replaces valine, which is neutral and non-polar, with leucine, which is neutral and non-polar, at codon 8 of the DCHS1 protein (p.Val8Leu). This variant is present in population databases (no rsID available, gnomAD 0.009%). This variant has not been reported in the literature in individuals affected with DCHS1-related conditions. ClinVar contains an entry for this variant (Variation ID: 2682485). Invitae Evidence Modeling of protein sequence and biophysical properties (such as structural, functional, and spatial information, amino acid conservation, physicochemical variation, residue mobility, and thermodynamic stability) indicates that this missense variant is not expected to disrupt DCHS1 protein function with a negative predictive value of 95%. In summary, the available evidence is currently insufficient to determine the role of this variant in disease. Therefore, it has been classified as a Variant of Uncertain Significance.

Women's Health and Genetics/Laboratory Corporation of America, LabCorp
Classification: Uncertain significance. Last evaluated: 2023-11-13. Review status: criteria provided, single submitter. Criteria: LabCorp Variant Classification Summary - May 2015. Collection method: clinical testing. Allele origin: germline.
Comment: Variant summary: DCHS1 c.22G>C (p.Val8Leu) results in a conservative amino acid change in the encoded protein sequence. Five of five in-silico tools predict a benign effect of the variant on protein function. The variant allele was found at a frequency of 3.2e-05 in 154694 control chromosomes. The available data on variant occurrences in the general population are insufficient to allow any conclusion about variant significance. To our knowledge, no occurrence of c.22G>C in individuals affected with DCHS1-Related Disorders and no experimental evidence demonstrating its impact on protein function have been reported. No submitters have cited clinical-significance assessments for this variant to ClinVar after 2014. Based on the evidence outlined above, the variant was classified as uncertain significance.